The following is an entry in ClinVar:

NM_001098.3(ACO2):c.684+1G>T

Gene: ACO2 (aconitase 2; plus strand). Cytogenetic location: 22q13.2.
Variant type: single nucleotide variant.
Coding change: c.684+1G>T on transcript NM_001098.3 (MANE Select); the canonical splice donor site of the intron after coding-DNA position 684, G replaced by T.
Molecular consequence: splice donor variant.
Genome position (GRCh38, 1-based): chr22:41,515,536, G>T. VCF-style: chr22-41515536-G-T. GRCh37 (hg19) VCF-style: chr22-41911540-G-T.
Identifiers: ClinVar variation 214017 (VCV000214017.17), dbSNP rs747330606, ClinGen allele CA325132.

ClinVar aggregate classification (germline): Conflicting classifications of pathogenicity. Review status: criteria provided, conflicting classifications (1 of 4 stars). 6 submissions from 6 submitters: Likely pathogenic (5); Uncertain significance (1). Last evaluated 2026-08-13.

Conditions:
ACO2-related disorder. Also called: ACO2-Related Disorders.
Inborn genetic diseases. Identifiers: MedGen C0950123, MeSH D030342.

Allele frequency attached by ClinVar (database versions not stated): TOPMed below 0.00001; ExAC 0.00001; gnomAD 0.00001; gnomAD exomes 0.00001.
gnomAD v4.1: 15 of 1,608,314 alleles (0.00093%); highest among the groups gnomAD compares: Non-Finnish European, 0.0013%; no homozygotes.

Submissions (6):

GeneDx
Classification: Likely pathogenic. Last evaluated: 2026-08-13. Review status: criteria provided, single submitter. Criteria: GeneDx Variant Classification Process June 2021. Collection method: clinical testing. Allele origin: germline.
Comment: Not observed at significant frequency in large population cohorts (gnomAD); Has not been previously published as pathogenic or benign to our knowledge; Canonical splice site variant predicted to result in an in-frame loss of the adjacent exon in a gene for which loss of function is a known mechanism of disease; This variant is associated with the following publications: (PMID: 34354088, 32519519, 30689204)

Ambry Genetics
Classification: Uncertain significance for Inborn genetic diseases. Last evaluated: 2026-06-04. Review status: criteria provided, single submitter. Criteria: Ambry Variant Classification Scheme 2023. Collection method: clinical testing. Allele origin: germline.
Comment: The c.684+1G>T intronic variant consists of a G to T substitution one nucleotide after exon 5 (coding exon 5) of the ACO2 gene. Variants that disrupt the canonical splice site are expected to result in aberrant splicing. The resulting transcript is predicted to be in-frame and is not expected to trigger nonsense-mediated mRNA decay, although direct evidence is unavailable. Based on data from gnomAD, the T allele has an overall frequency of 0.001% (3/244348) total alleles studied. The highest observed frequency was 0.003% (3/110234) of European (non-Finnish) alleles. This nucleotide position is highly conserved in available vertebrate species. In silico splice site analysis predicts that this alteration will weaken the native splice donor site and will result in the creation or strengthening of a novel splice donor site. Based on insufficient or conflicting evidence, the clinical significance of this alteration remains unclear.

Labcorp Genetics (formerly Invitae), Labcorp
Classification: Likely pathogenic. Last evaluated: 2025-12-03. Review status: criteria provided, single submitter. Criteria: Invitae Variant Classification Sherloc (09022015). Collection method: clinical testing. Allele origin: germline.
Comment: This sequence change affects a donor splice site in intron 5 of the ACO2 gene. It is expected to disrupt RNA splicing. Variants that disrupt the donor or acceptor splice site typically lead to a loss of protein function (PMID: 16199547), and loss-of-function variants in ACO2 are known to be pathogenic (PMID: 30689204, 32519519). This variant is present in population databases (rs747330606, gnomAD 0.003%). This variant has not been reported in the literature in individuals affected with ACO2-related conditions. ClinVar contains an entry for this variant (Variation ID: 214017). Algorithms developed to predict the effect of sequence changes on RNA splicing suggest that this variant may disrupt the consensus splice site. In summary, the currently available evidence indicates that the variant is pathogenic, but additional data are needed to prove that conclusively. Therefore, this variant has been classified as Likely Pathogenic.

PreventionGenetics, part of Exact Sciences
Classification: Likely pathogenic for ACO2-related condition. Last evaluated: 2025-10-31. Review status: criteria provided, single submitter. Criteria: ACMG Guidelines, 2015. Collection method: clinical testing. Allele origin: germline.
Comment: The ACO2 c.684+1G>T variant is predicted to disrupt the GT donor site and interfere with normal splicing. To our knowledge, this variant has not been reported in the literature. This variant is present in 0.0027% of alleles in individuals of European (Non-Finnish) descent in gnomAD. Variants that disrupt the consensus splice donor site in ACO2 are an established mechanism of disease. This variant is interpreted as likely pathogenic.

Women's Health and Genetics/Laboratory Corporation of America, LabCorp
Classification: Likely pathogenic for ACO2-Related Disorders. Last evaluated: 2025-10-09. Review status: criteria provided, single submitter. Criteria: LabCorp Variant Classification Summary - May 2015. Collection method: clinical testing. Allele origin: germline.
Comment: Variant summary: ACO2 c.684+1G>T is located in a canonical splice-site and is predicted to affect mRNA splicing resulting in a significantly altered protein due to either exon skipping, shortening, or inclusion of intronic material. Variants that disrupt the consensus splice site are a relatively common cause of aberrant splicing and loss of ACO2 function. Several computational tools predict a significant impact on normal splicing: Four predict the variant abolishes a 5' splicing donor site. However, these predictions have yet to be confirmed by functional studies. The variant allele was found at a frequency of 1.2e-05 in 244348 control chromosomes. To our knowledge, no occurrence of c.684+1G>T in individuals affected with ACO2-related conditions and no experimental evidence demonstrating its impact on protein function have been reported. ClinVar contains an entry for this variant (Variation ID: 214017). Based on the evidence outlined above, the variant was classified as likely pathogenic.

Blueprint Genetics
Classification: Likely pathogenic for ACO2-related disorders. Last evaluated: 2024-08-12. Review status: criteria provided, single submitter. Criteria: ACMG Guidelines, 2015. Collection method: clinical testing. Allele origin: germline. Affected: yes. Observed: 5 variant alleles.

Literature cited by the submitters: PubMed 16199547 (cited by Labcorp Genetics (formerly Invitae), Labcorp); PubMed 30689204 (cited by Labcorp Genetics (formerly Invitae), Labcorp); PubMed 32519519 (cited by Labcorp Genetics (formerly Invitae), Labcorp).